The following is an entry in ClinVar:

ClinVar aggregate classification (germline): Pathogenic (1 of 4 stars; one submission).

Conditions:
T-B+ severe combined immunodeficiency due to JAK3 deficiency. Also called: SCID, autosomal recessive, T-negative/B-positive type; SCID, T CELL-NEGATIVE, B CELL-POSITIVE, NK CELL-NEGATIVE. Identifiers: Orphanet 35078, MedGen C1833275, MONDO:0010938, OMIM 600802.

Submission:

Labcorp Genetics (formerly Invitae), Labcorp
Classification: Pathogenic for T-B+ severe combined immunodeficiency due to JAK3 deficiency. Last evaluated: 2023-11-03. Review status: criteria provided, single submitter. Criteria: Invitae Variant Classification Sherloc (09022015). Collection method: clinical testing. Allele origin: germline.
Comment: This sequence change creates a premature translational stop signal (p.Asp776Hisfs*3) in the JAK3 gene. It is expected to result in an absent or disrupted protein product. Loss-of-function variants in JAK3 are known to be pathogenic (PMID: 7481768, 11668621). This variant is not present in population databases (gnomAD no frequency). This variant has not been reported in the literature in individuals affected with JAK3-related conditions. For these reasons, this variant has been classified as Pathogenic.

Literature cited by the submitters: PubMed 7481768; PubMed 11668621.

NM_000215.4(JAK3):c.2319_2325dup (p.Asp776delinsHisSerTer)

Gene: JAK3 (Janus kinase 3; minus strand). Cytogenetic location: 19p13.11.
Variant type: Duplication.
Coding change: c.2319_2325dup on transcript NM_000215.4 (MANE Select); coding-DNA positions 2319 to 2325, 7 bases duplicated (CATTCGT; older notation c.2319_2325dupCATTCGT).
Protein change: p.Asp776delinsHisSerTer.
Molecular consequence: nonsense.
Genome position (GRCh38, 1-based): chr19:17,834,596-17,834,602, ACGAATG duplicated on the plus strand (CATTCGT on the coding strand, the reverse complement: JAK3 is on the minus strand); duplicating any 7 consecutive bases within chr19:17,834,596-17,834,605 gives the same sequence; the c. name uses the placement nearest the transcript's 3' end. VCF-style (leftmost placement, unchanged base first): chr19-17834595-C-CACGAATG. GRCh37 (hg19) VCF-style: chr19-17945404-C-CACGAATG.
Identifiers: ClinVar variation 2692977 (VCV002692977.3), dbSNP rs2514553135, ClinGen allele CA2583423439.